The following is an entry in ClinVar:

ClinVar aggregate classification (germline): Pathogenic/Likely pathogenic. Review status: criteria provided, multiple submitters, no conflicts (2 of 4 stars). 2 submissions from 2 submitters: Pathogenic (1); Likely pathogenic (1). Last evaluated 2024-11-30.

Conditions:
Nemaline myopathy 2 (NEM2). Also called: Nemaline myopathy 2, autosomal recessive. Identifiers: MedGen C1850569, MONDO:0009725, OMIM 256030.

Submissions (2):

Genetics and Genomic Medicine Centre, NeuroGen Healthcare, NeuroGen Healthcare
Classification: Pathogenic for Nemaline myopathy 2. Last evaluated: 2024-11-30. Review status: criteria provided, single submitter. Criteria: ACMG Guidelines, 2015. Collection method: clinical testing. Allele origin: unknown. Affected: no.

Labcorp Genetics (formerly Invitae), Labcorp
Classification: Likely pathogenic for Nemaline myopathy 2. Last evaluated: 2022-07-26. Review status: criteria provided, single submitter. Criteria: Invitae Variant Classification Sherloc (09022015). Collection method: clinical testing. Allele origin: germline.
Comment: This sequence change affects a donor splice site in intron 30 of the NEB gene. It is expected to disrupt RNA splicing. Variants that disrupt the donor or acceptor splice site typically lead to a loss of protein function (PMID: 16199547), and loss-of-function variants in NEB are known to be pathogenic (PMID: 25205138). This variant is not present in population databases (gnomAD no frequency). Disruption of this splice site has been observed in individual(s) with nemaline myopathy (Invitae). ClinVar contains an entry for this variant (Variation ID: 943795). Algorithms developed to predict the effect of sequence changes on RNA splicing suggest that this variant may disrupt the consensus splice site. In summary, the currently available evidence indicates that the variant is pathogenic, but additional data are needed to prove that conclusively. Therefore, this variant has been classified as Likely Pathogenic.

Literature cited by the submitters: PubMed 16199547 (cited by Labcorp Genetics (formerly Invitae), Labcorp); PubMed 25205138 (cited by Labcorp Genetics (formerly Invitae), Labcorp).

NM_001164508.2(NEB):c.3042+1G>A

Gene: NEB (nebulin; minus strand). Cytogenetic location: 2q23.3.
Variant type: single nucleotide variant.
Coding change: c.3042+1G>A on transcript NM_001164508.2 (MANE Select); the canonical splice donor site of the intron after coding-DNA position 3042, G replaced by A.
Molecular consequence: splice donor variant.
Genome position (GRCh38, 1-based): chr2:151,680,729, C>T on the plus strand (G>A on the coding strand, the complement: NEB is on the minus strand). VCF-style: chr2-151680729-C-T. GRCh37 (hg19) VCF-style: chr2-152537243-C-T.
Other names: c.3042+1G>A (NM_004543.5, NM_001164507.2, NM_001271208.2).
Identifiers: ClinVar variation 943795 (VCV000943795.11), dbSNP rs2099408391, ClinGen allele CA348820979.